The following is an entry in ClinVar:

ClinVar aggregate classification (germline): Likely benign. Review status: criteria provided, multiple submitters, no conflicts (2 of 4 stars). 3 submissions from 3 submitters: Likely benign (3). Last evaluated 2025-10-08.

Conditions:
Nemaline myopathy 2 (NEM2). Also called: Nemaline myopathy 2, autosomal recessive. Identifiers: MedGen C1850569, MONDO:0009725, OMIM 256030.

Allele frequency attached by ClinVar (database versions not stated): ExAC 0.00001; gnomAD exomes 0.00002 and 0.00003; gnomAD 0.00003 and 0.00004; TOPMed 0.00003.
gnomAD v4.1: 52 of 1,613,844 alleles (0.0032%); highest among the groups gnomAD compares: Non-Finnish European, 0.0039%; no homozygotes.

Submissions (3):

Labcorp Genetics (formerly Invitae), Labcorp
Classification: Likely benign for Nemaline myopathy 2. Last evaluated: 2025-10-08. Review status: criteria provided, single submitter. Criteria: Invitae Variant Classification Sherloc (09022015). Collection method: clinical testing. Allele origin: germline.

Blueprint Genetics
Classification: Likely benign. Last evaluated: 2024-01-10. Review status: criteria provided, single submitter. Criteria: ACMG Guidelines, 2015. Collection method: clinical testing. Allele origin: germline.

GeneDx
Classification: Likely benign. Last evaluated: 2017-12-12. Review status: criteria provided, single submitter. Criteria: GeneDx Variant Classification (06012015). Collection method: clinical testing. Allele origin: germline. Affected: yes.
Comment: This variant is considered likely benign or benign based on one or more of the following criteria: it is a conservative change, it occurs at a poorly conserved position in the protein, it is predicted to be benign by multiple in silico algorithms, and/or has population frequency not consistent with disease.

NM_001164508.2(NEB):c.4434C>T (p.Thr1478=)

Gene: NEB (nebulin; minus strand). Cytogenetic location: 2q23.3.
Variant type: single nucleotide variant.
Coding change: c.4434C>T on transcript NM_001164508.2 (MANE Select); coding-DNA position 4434, C replaced by T.
Protein change: p.Thr1478=; no amino-acid change (threonine 1478 retained).
Molecular consequence: synonymous variant.
Genome position (GRCh38, 1-based): chr2:151,671,095, G>A on the plus strand (C>T on the coding strand, the complement: NEB is on the minus strand). VCF-style: chr2-151671095-G-A. GRCh37 (hg19) VCF-style: chr2-152527609-G-A.
Other names: c.4434C>T, p.Thr1478= (NM_001164507.2, NM_001271208.2, NM_004543.5).
Identifiers: ClinVar variation 387081 (VCV000387081.10), dbSNP rs747503023, ClinGen allele CA1910632.
Genomic context (GRCh38, chr2:151,671,095, plus strand): 5'-CTTTGTGTTATGCTGAGCCAACACCATGCCCATGGAATCAGGCACACTTGTGAACTTGAC[G>A]GTATCTGGGTGCTGTCGATACTTCCTCTCATTTAATGCATCGCCTGCTTTCTTGACCTTC-3'
Protein context (NP_001157980.2, residues 1468-1488): NERKYRQHPD[Thr1478=]VKFTSVPDSM